The following is an entry in ClinVar:

NM_000428.3(LTBP2):c.2702G>A (p.Arg901His)

Gene: LTBP2 (latent transforming growth factor beta binding protein 2; minus strand). Cytogenetic location: 14q24.3.
Variant type: single nucleotide variant.
Coding change: c.2702G>A on transcript NM_000428.3 (MANE Select); coding-DNA position 2702, G replaced by A.
Protein change: p.Arg901His; replaces arginine 901 with histidine.
Molecular consequence: missense variant.
Genome position (GRCh38, 1-based): chr14:74,521,997, C>T on the plus strand (G>A on the coding strand, the complement: LTBP2 is on the minus strand). VCF-style: chr14-74521997-C-T. GRCh37 (hg19) VCF-style: chr14-74988700-C-T.
Other names: c.2702G>A (NM_000428.2); short protein forms R901H.
Identifiers: ClinVar variation 2180568 (VCV002180568.3), dbSNP rs375251079, ClinGen allele CA7269406.

ClinVar aggregate classification (germline): Uncertain significance. Review status: criteria provided, multiple submitters, no conflicts (2 of 4 stars). 2 submissions from 2 submitters: Uncertain significance (2). Last evaluated 2025-10-15.

Conditions:
Inborn genetic diseases. Identifiers: MedGen C0950123, MeSH D030342.

Allele frequency attached by ClinVar (database versions not stated): TOPMed 0.00005; ESP Exome Variant Server 0.00015; ExAC 0.00006.
gnomAD v4.1: 68 of 1,613,880 alleles (0.0042%); highest among the groups gnomAD compares: Admixed American, 0.0083%; no homozygotes.

Submissions (2):

Ambry Genetics
Classification: Uncertain significance for Inborn genetic diseases. Last evaluated: 2025-10-15. Review status: criteria provided, single submitter. Criteria: Ambry Variant Classification Scheme 2023. Collection method: clinical testing. Allele origin: germline.

Labcorp Genetics (formerly Invitae), Labcorp
Classification: Uncertain significance. Last evaluated: 2023-12-26. Review status: criteria provided, single submitter. Criteria: Invitae Variant Classification Sherloc (09022015). Collection method: clinical testing. Allele origin: germline.
Comment: This sequence change replaces arginine, which is basic and polar, with histidine, which is basic and polar, at codon 901 of the LTBP2 protein (p.Arg901His). This variant is present in population databases (rs375251079, gnomAD 0.01%). This variant has not been reported in the literature in individuals affected with LTBP2-related conditions. ClinVar contains an entry for this variant (Variation ID: 2180568). Algorithms developed to predict the effect of missense changes on protein structure and function output the following: SIFT: "Not Available"; PolyPhen-2: "Benign"; Align-GVGD: "Not Available". The histidine amino acid residue is found in multiple mammalian species, which suggests that this missense change does not adversely affect protein function. In summary, the available evidence is currently insufficient to determine the role of this variant in disease. Therefore, it has been classified as a Variant of Uncertain Significance.